The following is an entry in ClinVar:

ClinVar aggregate classification (germline): Uncertain significance (1 of 4 stars; one submission).

Allele frequency attached by ClinVar (database versions not stated): gnomAD exomes below 0.00001.
gnomAD v4.1: 1 of 1,612,026 alleles (0.000062%); highest among the groups gnomAD compares: Admixed American, 0.0017%; no homozygotes.

Submission:

GeneDx
Classification: Uncertain significance. Last evaluated: 2023-05-23. Review status: criteria provided, single submitter. Criteria: GeneDx Variant Classification Process June 2021. Collection method: clinical testing. Allele origin: germline. Affected: yes.
Comment: Not observed at significant frequency in large population cohorts (gnomAD); In silico analysis supports that this missense variant has a deleterious effect on protein structure/function; Has not been previously published as pathogenic or benign to our knowledge

NM_007289.4(MME):c.2035G>T (p.Asp679Tyr)

Gene: MME (membrane metalloendopeptidase; plus strand). Cytogenetic location: 3q25.2.
Variant type: single nucleotide variant.
Coding change: c.2035G>T on transcript NM_007289.4 (MANE Select); coding-DNA position 2035, G replaced by T.
Protein change: p.Asp679Tyr; replaces aspartic acid 679 with tyrosine.
Molecular consequence: missense variant.
Genome position (GRCh38, 1-based): chr3:155,172,171, G>T. VCF-style: chr3-155172171-G-T. GRCh37 (hg19) VCF-style: chr3-154889960-G-T.
Other names: c.2035G>T, p.Asp679Tyr (NM_000902.5, NM_001354642.2, NM_001354643.1 and 2 more transcripts); short protein forms D679Y.
Identifiers: ClinVar variation 3252599 (VCV003252599.1), dbSNP rs1186518587.